The following is an entry in ClinVar:

ClinVar aggregate classification (germline): Likely benign. Review status: criteria provided, multiple submitters, no conflicts (2 of 4 stars). 2 submissions from 2 submitters: Likely benign (2). Last evaluated 2026-07-01.

Conditions:
Familial temporal lobe epilepsy 7. Identifiers: Orphanet 101046, MedGen C4225327, MONDO:0014639, OMIM 616436.
Norman-Roberts syndrome (LIS2). Also called: Lissencephaly 2 (Norman-Roberts type). Identifiers: Orphanet 89844, MedGen C0796089, MONDO:0009760, OMIM 257320.

gnomAD v4.1: 2 of 1,613,780 alleles (0.00012%); highest among the groups gnomAD compares: African/African-American, 0.0013%; no homozygotes.

Submissions (2):

CeGaT Center for Human Genetics Tuebingen
Classification: Likely benign. Last evaluated: 2026-07-01. Review status: criteria provided, single submitter. Criteria: CeGaT Center For Human Genetics Tuebingen Variant Classification Criteria Version 2. Collection method: clinical testing. Allele origin: germline. Affected: yes. Observed: 1 variant allele.
Comment: RELN: BP4, BP7

Labcorp Genetics (formerly Invitae), Labcorp
Classification: Likely benign for Familial temporal lobe epilepsy 7; Norman-Roberts syndrome. Last evaluated: 2023-11-27. Review status: criteria provided, single submitter. Criteria: Invitae Variant Classification Sherloc (09022015). Collection method: clinical testing. Allele origin: germline.

NM_005045.4(RELN):c.696C>T (p.Gly232=)

Gene: RELN (reelin; minus strand). Cytogenetic location: 7q22.1.
Variant type: single nucleotide variant.
Coding change: c.696C>T on transcript NM_005045.4 (MANE Select); coding-DNA position 696, C replaced by T.
Protein change: p.Gly232=; no amino-acid change (glycine 232 retained).
Molecular consequence: synonymous variant.
Genome position (GRCh38, 1-based): chr7:103,728,168, G>A on the plus strand (C>T on the coding strand, the complement: RELN is on the minus strand). VCF-style: chr7-103728168-G-A. GRCh37 (hg19) VCF-style: chr7-103368615-G-A.
Other names: c.696C>T, p.Gly232= (NM_173054.3).
Identifiers: ClinVar variation 2171339 (VCV002171339.6), dbSNP rs1424523768, ClinGen allele CA457137082.